The following is an entry in ClinVar:

NM_001379403.1(WDR26):c.1702G>A (p.Gly568Arg)

Gene: WDR26 (WD repeat domain 26; minus strand). Cytogenetic location: 1q42.12.
Variant type: single nucleotide variant.
Coding change: c.1702G>A on transcript NM_001379403.1 (MANE Select); coding-DNA position 1702, G replaced by A.
Protein change: p.Gly568Arg; replaces glycine 568 with arginine.
Molecular consequence: missense variant.
Genome position (GRCh38, 1-based): chr1:224,400,967, C>T on the plus strand (G>A on the coding strand, the complement: WDR26 is on the minus strand). VCF-style: chr1-224400967-C-T. GRCh37 (hg19) VCF-style: chr1-224588669-C-T.
Other names: c.1402G>A, p.Gly468Arg (NM_025160.7); c.1354G>A, p.Gly452Arg (NM_001115113.3); short protein forms G452R, G468R, G568R.
Identifiers: ClinVar variation 2583143 (VCV002583143.1), dbSNP rs2464688165, ClinGen allele CA344747837.
Genomic context (GRCh38, chr1:224,400,967, plus strand): 5'-TTTTAAACCAACAGATACTGGGAAGGGGGCACTGAATACTTACACACTGATAGAACTGCC[C>T]ACGCTGACCTCCAGTCACAAAGCGCTTCCCATCTGGATTCCAAGCCACACTTGTCAAACT-3'
Protein context (NP_001366332.1, residues 558-578): GKRFVTGGQR[Gly568Arg]QFYQCDLDGN

ClinVar aggregate classification (germline): Uncertain significance (1 of 4 stars; one submission).

Conditions:
Skraban-Deardorff syndrome. Also called: INTELLECTUAL DISABILITY WITH SEIZURES, ABNORMAL GAIT, AND DISTINCTIVE FACIAL FEATURES; WDR26-Related Intellectual Disability. Identifiers: Orphanet 513456, MedGen C4539927, MONDO:0054636, OMIM 617616.

Submission:

Human Genetics Bochum, Ruhr University Bochum
Classification: Uncertain significance for Skraban-Deardorff syndrome. Last evaluated: 2023-02-14. Review status: criteria provided, single submitter. Criteria: ACMG Guidelines, 2015. Collection method: clinical testing. Allele origin: germline. Affected: yes.
Comment: ACMG criteria used to clasify this variant: PP3_MOD, PM2_SUP, PP2